The following is an entry in ClinVar:

NM_000760.4(CSF3R):c.1078C>T (p.Pro360Ser)

Gene: CSF3R (colony stimulating factor 3 receptor; minus strand). Cytogenetic location: 1p34.3.
Variant type: single nucleotide variant.
Coding change: c.1078C>T on transcript NM_000760.4 (MANE Select); coding-DNA position 1078, C replaced by T.
Protein change: p.Pro360Ser; replaces proline 360 with serine.
Molecular consequence: missense variant.
Genome position (GRCh38, 1-based): chr1:36,471,640, G>A on the plus strand (C>T on the coding strand, the complement: CSF3R is on the minus strand). VCF-style: chr1-36471640-G-A. GRCh37 (hg19) VCF-style: chr1-36937241-G-A.
Other names: c.1078C>T, p.Pro360Ser (NM_156039.3, NM_172313.3); short protein forms P360S.
Identifiers: ClinVar variation 1365633 (VCV001365633.8), dbSNP rs751225562, ClinGen allele CA339422028.

ClinVar aggregate classification (germline): Uncertain significance (1 of 4 stars; one submission).

Conditions:
Autosomal recessive severe congenital neutropenia due to CSF3R deficiency. Also called: Neutropenia, severe congenital, 7, autosomal recessive. Identifiers: Orphanet 420702, MedGen C4310764, MONDO:0014865, OMIM 617014.

Submission:

Labcorp Genetics (formerly Invitae), Labcorp
Classification: Uncertain significance for Autosomal recessive severe congenital neutropenia due to CSF3R deficiency. Last evaluated: 2024-07-02. Review status: criteria provided, single submitter. Criteria: Invitae Variant Classification Sherloc (09022015). Collection method: clinical testing. Allele origin: germline.
Comment: This sequence change replaces proline, which is neutral and non-polar, with serine, which is neutral and polar, at codon 360 of the CSF3R protein (p.Pro360Ser). This variant is not present in population databases (gnomAD no frequency). This variant has not been reported in the literature in individuals affected with CSF3R-related conditions. ClinVar contains an entry for this variant (Variation ID: 1365633). Advanced modeling of protein sequence and biophysical properties (such as structural, functional, and spatial information, amino acid conservation, physicochemical variation, residue mobility, and thermodynamic stability) performed at Invitae indicates that this missense variant is not expected to disrupt CSF3R protein function with a negative predictive value of 80%. In summary, the available evidence is currently insufficient to determine the role of this variant in disease. Therefore, it has been classified as a Variant of Uncertain Significance.